The following is an entry in ClinVar:

ClinVar aggregate classification (germline): Pathogenic/Likely pathogenic. Review status: criteria provided, multiple submitters, no conflicts (2 of 4 stars). 4 submissions from 4 submitters: Pathogenic (2); Likely pathogenic (2). Last evaluated 2022-10-18.

Conditions:
Cardiovascular phenotype. Identifiers: MedGen CN230736.
Osteogenesis imperfecta type I (OI1). Also called: Lobstein's Disease; Lobstein disease; OI, TYPE I; OSTEOGENESIS IMPERFECTA TARDA; OSTEOGENESIS IMPERFECTA WITH BLUE SCLERAE; Osteogenesis imperfecta type 1. Identifiers: Orphanet 216796, Orphanet 666, MedGen C0023931, MONDO:0008146, OMIM 166200. Disease mechanism: loss of function.
Osteogenesis imperfecta (OI). Identifiers: Orphanet 666, MedGen C0029434, MeSH D010013, MONDO:0019019.

Submissions (4):

Labcorp Genetics (formerly Invitae), Labcorp
Classification: Pathogenic for Osteogenesis imperfecta type I. Last evaluated: 2022-10-18. Review status: criteria provided, single submitter. Criteria: Invitae Variant Classification Sherloc (09022015). Collection method: clinical testing. Allele origin: germline.
Comment: This sequence change falls in intron 19 of the COL1A1 gene. It does not directly change the encoded amino acid sequence of the COL1A1 protein. It affects a nucleotide within the consensus splice site. This variant is not present in population databases (gnomAD no frequency). This variant has been observed in individuals with osteogenesis imperfecta (PMID: 25963598; Invitae). This variant is also known as IVS19+5G>A. ClinVar contains an entry for this variant (Variation ID: 35900). Variants that disrupt the consensus splice site are a relatively common cause of aberrant splicing (PMID: 17576681, 9536098). Algorithms developed to predict the effect of sequence changes on RNA splicing suggest that this variant may disrupt the consensus splice site. For these reasons, this variant has been classified as Pathogenic.

Ambry Genetics
Classification: Likely pathogenic for Cardiovascular phenotype. Last evaluated: 2022-03-25. Review status: criteria provided, single submitter. Criteria: Ambry Variant Classification Scheme 2023. Collection method: clinical testing. Allele origin: germline.
Comment: The c.1299+5G>A intronic variant results from a G to A substitution 5 nucleotides after coding exon 19 in the COL1A1 gene. This variant has been reported in the literature in individuals reported to have osteogenesis imperfecta (OI) and has been observed in at least one additional individual with a personal and/or family history consistent with OI (Schleit J et al. Hum Mutat, 2015 Jul;36:728-39; Ambry internal data). This variant is considered to be rare based on population cohorts in the Genome Aggregation Database (gnomAD). This nucleotide position is highly conserved in available vertebrate species. In silico splice site analysis predicts that this alteration will weaken the native splice donor site and will result in the creation or strengthening of a novel splice donor site. Based on the majority of available evidence to date, this variant is likely to be pathogenic.

Women's Health and Genetics/Laboratory Corporation of America, LabCorp
Classification: Likely pathogenic for Osteogenesis imperfecta. Last evaluated: 2019-01-22. Review status: criteria provided, single submitter. Criteria: LabCorp Variant Classification Summary - May 2015. Collection method: clinical testing. Allele origin: germline.
Comment: Variant summary: COL1A1 c.1299+5G>A alters a conserved nucleotide located close to a canonical splice site and therefore could affect mRNA splicing, leading to a significantly altered protein sequence. Several computational tools predict a significant impact on normal splicing: Three predict the variant abolishes a 5' splicing donor site. Two predict the variant weakens a 5' donor site (ACMG PP3). However, these predictions have yet to be confirmed by functional studies. The variant was absent in 241188 control chromosomes (ACMG PM2). c.1299+5G>A has been reported in the literature in at-least two individuals affected with Osteogenesis Imperfecta type I (Schleit_2015) (ACMG PS4). These data indicate that the variant may be associated with disease. To our knowledge, no experimental evidence demonstrating an impact on protein function has been reported. One clinical diagnostic laboratory has submitted clinical-significance assessments for this variant to ClinVar after 2014 without evidence for independent evaluation and classified the variant as likely pathogenic. Based on the evidence outlined above, the variant was classified as likely pathogenic.

Institute of Human Genetics, University of Leipzig Medical Center
Classification: Pathogenic for Osteogenesis imperfecta type I. Last evaluated: 2018-12-03. Review status: criteria provided, single submitter. Criteria: ACMG Guidelines, 2015. Collection method: clinical testing. Allele origin: germline. Affected: yes. Observed: 1 variant allele.

Literature cited by the submitters: PubMed 25963598 (cited by 3 submitters); PubMed 17576681 (cited by Labcorp Genetics (formerly Invitae), Labcorp); PubMed 9536098 (cited by Labcorp Genetics (formerly Invitae), Labcorp).

NM_000088.4(COL1A1):c.1299+5G>A

Gene: COL1A1 (collagen type I alpha 1 chain; minus strand). Cytogenetic location: 17q21.33.
Variant type: single nucleotide variant.
Coding change: c.1299+5G>A on transcript NM_000088.4 (MANE Select); 5 bases into the intron after coding-DNA position 1299, G replaced by A.
Molecular consequence: intron variant.
Genome position (GRCh38, 1-based): chr17:50,195,227, C>T on the plus strand (G>A on the coding strand, the complement: COL1A1 is on the minus strand). VCF-style: chr17-50195227-C-T. GRCh37 (hg19) VCF-style: chr17-48272588-C-T.
Identifiers: ClinVar variation 35900 (VCV000035900.14), dbSNP rs193922139, ClinGen allele CA260274.
Genomic context (GRCh38, chr17:50,195,227, plus strand): 5'-CCCCAGATGAGAGCCGCACTGGAGCCAGTGCATGGGGTGGGCAGAAGGGAGAGTTTGGTA[C>T]TCACGCTGTTACCCTTGGGACCAGGAGGGCCGCCGGGGCCCTGGGGTCCAGAGGGGCCTC-3'